The following is an entry in ClinVar:

ClinVar aggregate classification (germline): Uncertain significance (1 of 4 stars; one submission).

Allele frequency attached by ClinVar (database versions not stated): ExAC 0.00001.

Submission:

Labcorp Genetics (formerly Invitae), Labcorp
Classification: Uncertain significance. Last evaluated: 2022-09-08. Review status: criteria provided, single submitter. Criteria: Invitae Variant Classification Sherloc (09022015). Collection method: clinical testing. Allele origin: germline.
Comment: This variant is present in population databases (rs766574080, gnomAD 0.0009%). In summary, the available evidence is currently insufficient to determine the role of this variant in disease. Therefore, it has been classified as a Variant of Uncertain Significance. Advanced modeling of protein sequence and biophysical properties (such as structural, functional, and spatial information, amino acid conservation, physicochemical variation, residue mobility, and thermodynamic stability) performed at Invitae indicates that this missense variant is not expected to disrupt ROM1 protein function. ClinVar contains an entry for this variant (Variation ID: 1056718). This variant has not been reported in the literature in individuals affected with ROM1-related conditions. This sequence change replaces phenylalanine, which is neutral and non-polar, with valine, which is neutral and non-polar, at codon 178 of the ROM1 protein (p.Phe178Val).

NM_000327.4(ROM1):c.532T>G (p.Phe178Val)

Gene: ROM1 (retinal outer segment membrane protein 1; plus strand). Cytogenetic location: 11q12.3.
Variant type: single nucleotide variant.
Coding change: c.532T>G on transcript NM_000327.4 (MANE Select); coding-DNA position 532, T replaced by G.
Protein change: p.Phe178Val; replaces phenylalanine 178 with valine.
Molecular consequence: missense variant.
Genome position (GRCh38, 1-based): chr11:62,613,813, T>G. VCF-style: chr11-62613813-T-G. GRCh37 (hg19) VCF-style: chr11-62381285-T-G.
Other names: short protein forms F178V.
Identifiers: ClinVar variation 1056718 (VCV001056718.9), dbSNP rs766574080, ClinGen allele CA6049756.